The following is an entry in ClinVar:

ClinVar aggregate classification (germline): Pathogenic. Review status: criteria provided, multiple submitters, no conflicts (2 of 4 stars). 2 submissions from 2 submitters: Pathogenic (2). Last evaluated 2024-05-20.

Conditions:
Retinoblastoma (RB1). Also called: RETINOBLASTOMA, SOMATIC. Identifiers: Orphanet 790, MedGen C0035335, MeSH D012175, MONDO:0008380, OMIM 180200, HP:0009919. Disease mechanism: loss of function. Inheritance: Both sporadic and heritable forms are tested..

Submissions (2):

Genetic Diagnostic Laboratory, University of Pennsylvania School of Medicine
Classification: Pathogenic for Retinoblastoma. Last evaluated: 2024-05-20. Review status: criteria provided, single submitter. Criteria: ACMG Guidelines, 2015. Collection method: clinical testing. Allele origin: germline. Affected: yes. Observed: 1 variant allele.
Comment: Case and Pedigree Information: BILATERAL CASES:1, UNILATERAL CASES:0, TOTAL CASES:1, PEDIGREES:1. ACMG Codes Applied:PVS1, PM2

Labcorp Genetics (formerly Invitae), Labcorp
Classification: Pathogenic for Retinoblastoma. Last evaluated: 2023-06-24. Review status: criteria provided, single submitter. Criteria: Invitae Variant Classification Sherloc (09022015). Collection method: clinical testing. Allele origin: germline.
Comment: ClinVar contains an entry for this variant (Variation ID: 1069507). This variant is also known as g.162021 G>T. This premature translational stop signal has been observed in individual(s) with retinoblastoma (PMID: 12173465, 28193182, 30636860). This variant is not present in population databases (gnomAD no frequency). This sequence change creates a premature translational stop signal (p.Glu746*) in the RB1 gene. It is expected to result in an absent or disrupted protein product. Loss-of-function variants in RB1 are known to be pathogenic (PMID: 17096365). Algorithms developed to predict the effect of sequence changes on RNA splicing suggest that this variant may disrupt the consensus splice site. For these reasons, this variant has been classified as Pathogenic.

Literature cited by the submitters: PubMed 12173465 (cited by Labcorp Genetics (formerly Invitae), Labcorp); PubMed 28193182 (cited by Labcorp Genetics (formerly Invitae), Labcorp); PubMed 30636860 (cited by Labcorp Genetics (formerly Invitae), Labcorp); PubMed 17096365 (cited by Labcorp Genetics (formerly Invitae), Labcorp).

NM_000321.3(RB1):c.2236G>T (p.Glu746Ter)

Gene: RB1 (RB transcriptional corepressor 1; plus strand). Cytogenetic location: 13q14.2.
Variant type: single nucleotide variant.
Coding change: c.2236G>T on transcript NM_000321.3 (MANE Select); coding-DNA position 2236, G replaced by T.
Protein change: p.Glu746Ter; replaces glutamic acid 746 with a stop codon.
Molecular consequence: nonsense.
Genome position (GRCh38, 1-based): chr13:48,465,022, G>T. VCF-style: chr13-48465022-G-T. GRCh37 (hg19) VCF-style: chr13-49039158-G-T.
Other names: short protein forms E746*.
Identifiers: ClinVar variation 1069507 (VCV001069507.10), dbSNP rs958914211, ClinGen allele CA388167533.